The following is an entry in ClinVar:

ClinVar aggregate classification (germline): Likely benign. Review status: criteria provided, multiple submitters, no conflicts (2 of 4 stars). 2 submissions from 2 submitters: Likely benign (2). Last evaluated 2025-09-10.

Allele frequency attached by ClinVar (database versions not stated): gnomAD 0.00001; gnomAD exomes 0.00001 and 0.00002; ExAC 0.00002; TOPMed 0.00002.
gnomAD v4.1: 10 of 1,569,772 alleles (0.00064%); highest among the groups gnomAD compares: Admixed American, 0.016%; no homozygotes.

Submissions (2):

Labcorp Genetics (formerly Invitae), Labcorp
Classification: Likely benign. Last evaluated: 2025-09-10. Review status: criteria provided, single submitter. Criteria: Invitae Variant Classification Sherloc (09022015). Collection method: clinical testing. Allele origin: germline.

Mayo Clinic Laboratories, Mayo Clinic
Classification: Likely benign. Last evaluated: 2025-01-08. Review status: criteria provided, single submitter. Criteria: ACMG Guidelines, 2015. Collection method: clinical testing. Allele origin: germline. Observed: 1 variant allele.
Comment: BP4, BP7

NM_015978.3(TNNI3K):c.333+9C>T

Genes: FPGT-TNNI3K (FPGT-TNNI3K readthrough; plus strand), TNNI3K (TNNI3 interacting kinase; plus strand). Cytogenetic location: 1p31.1.
Variant type: single nucleotide variant.
Coding change: c.333+9C>T on transcript NM_015978.3 (MANE Select); 9 bases into the intron after coding-DNA position 333, C replaced by T.
Molecular consequence: intron variant.
Genome position (GRCh38, 1-based): chr1:74,250,778, C>T. VCF-style: chr1-74250778-C-T. GRCh37 (hg19) VCF-style: chr1-74716462-C-T.
Other names: p.?; c.636+9C>T (NM_001112808.3, NM_001199327.2).
Identifiers: ClinVar variation 1588091 (VCV001588091.9), dbSNP rs763644815, ClinGen allele CA908853.
Genomic context (GRCh38, chr1:74,250,778, plus strand): 5'-ATCTCGACTGACAAGAAATGGATTTACAGCCTTGCATTTAGCAGTTTACAAGGTAGGACA[C>T]TTTAATTCCCATAAACACTGCATTGGAACTAAGGATAGTGTGTATCTTTAGGCTTTTTTT-3'